The following is an entry in ClinVar:

NM_001376.5(DYNC1H1):c.6017_6022delinsA (p.Val2006fs)

Gene: DYNC1H1 (dynein cytoplasmic 1 heavy chain 1; plus strand). Cytogenetic location: 14q32.31.
Variant type: Indel.
Coding change: c.6017_6022delinsA on transcript NM_001376.5 (MANE Select); coding-DNA positions 6017 to 6022, TCAAGG replaced by A.
Protein change: p.Val2006fs; shifts the reading frame from valine 2006.
Molecular consequence: frameshift variant.
Genome position (GRCh38, 1-based): chr14:102,009,882-102,009,887, TCAAGG replaced by A. VCF-style: chr14-102009882-TCAAGG-A. GRCh37 (hg19) VCF-style: chr14-102476219-TCAAGG-A.
Other names: c.6017_6022delTCAAGGinsA, p.Val2006Aspfs (NM_001376.4); short protein forms V2006fs.
Identifiers: ClinVar variation 3033911 (VCV003033911.2), dbSNP rs2503750754, ClinGen allele CA2740097204.

ClinVar aggregate classification (germline): Likely pathogenic (0 of 4 stars; one submission).

Conditions:
DYNC1H1-related disorder. Also called: DYNC1H1-related disorders; DYNC1H1-related condition. Identifiers: MedGen CN381529.

Submission:

PreventionGenetics, part of Exact Sciences
Classification: Likely pathogenic for DYNC1H1-related condition. Last evaluated: 2023-12-19. Review status: no assertion criteria provided. Collection method: clinical testing. Allele origin: germline.
Comment: The DYNC1H1 c.6017_6022delinsA variant is predicted to result in a frameshift and premature protein termination (p.Val2006Aspfs*20). To our knowledge, this variant has not been reported in the literature or in a large population database, indicating this variant is rare. Frameshift variants in DYNC1H1 are expected to be pathogenic. This variant is interpreted as likely pathogenic.